The following is an entry in ClinVar:

ClinVar aggregate classification (germline): Uncertain significance (1 of 4 stars; one submission).

Conditions:
Hereditary cancer-predisposing syndrome. Also called: Neoplastic Syndromes, Hereditary; Tumor predisposition; Hereditary Cancer Syndrome; Hereditary neoplastic syndrome. Identifiers: Orphanet 140162, MedGen C0027672, MeSH D009386, MONDO:0015356.

Submission:

Ambry Genetics
Classification: Uncertain significance for Hereditary cancer-predisposing syndrome. Last evaluated: 2026-06-08. Review status: criteria provided, single submitter. Criteria: Ambry Variant Classification Scheme 2023. Collection method: clinical testing. Allele origin: germline.
Comment: The p.I600T variant (also known as c.1799T>C), located in coding exon 12 of the CDH1 gene, results from a T to C substitution at nucleotide position 1799. The isoleucine at codon 600 is replaced by threonine, an amino acid with similar properties. This amino acid position is conserved. In addition, this alteration is predicted to be tolerated by in silico analysis. Based on the available evidence, the clinical significance of this variant remains unclear.

NM_004360.5(CDH1):c.1799T>C (p.Ile600Thr)

Gene: CDH1 (cadherin 1; plus strand). Cytogenetic location: 16q22.1.
Variant type: single nucleotide variant.
Coding change: c.1799T>C on transcript NM_004360.5 (MANE Select); coding-DNA position 1799, T replaced by C.
Protein change: p.Ile600Thr; replaces isoleucine 600 with threonine.
Molecular consequence: missense variant. On other transcripts: 5 prime UTR variant (1).
Genome position (GRCh38, 1-based): chr16:68,822,088, T>C. VCF-style: chr16-68822088-T-C. GRCh37 (hg19) VCF-style: chr16-68855991-T-C.
Other names: c.1616T>C, p.Ile539Thr (NM_001317184.2); c.251T>C, p.Ile84Thr (NM_001317185.2); c.-167T>C (NM_001317186.2); short protein forms I539T, I600T, I84T.
Identifiers: ClinVar variation 4868416 (VCV004868416.1).